The following is an entry in ClinVar:

ClinVar aggregate classification (germline): Conflicting classifications of pathogenicity. Review status: criteria provided, conflicting classifications (1 of 4 stars). 3 submissions from 3 submitters: Uncertain significance (2); Likely benign (1). Last evaluated 2025-08-23.

Conditions:
Fanconi anemia (FA). Also called: Fanconi's anemia. Identifiers: Orphanet 84, MedGen C0015625, MeSH D005199, MONDO:0019391.
Inborn genetic diseases. Identifiers: MedGen C0950123, MeSH D030342.
Fanconi anemia complementation group B (FANCB). Also called: FANCB-Related Fanconi Anemia; FANCONI PANCYTOPENIA, TYPE 2. Identifiers: Orphanet 84, MedGen C1845292, MONDO:0010351, OMIM 300514.
VACTERL association, X-linked, with or without hydrocephalus (VACTERLX). Also called: VACTERL Association with Hydrocephalus, X-linked; X-linked VACTERL-H syndrome; VACTERL ASSOCIATION, X-LINKED; VACTERL-H, X-LINKED. Identifiers: Orphanet 3412, MedGen C2931228, MONDO:0010752, OMIM 314390.

Allele frequency attached by ClinVar (database versions not stated): gnomAD exomes below 0.00001 and 0.00001; ExAC 0.00002.
gnomAD v4.1: 2 of 1,210,160 alleles (0.00017%); highest among the groups gnomAD compares: East Asian, 0.0059%; no homozygotes.

Submissions (3):

Ambry Genetics
Classification: Likely benign for Inborn genetic diseases. Last evaluated: 2025-08-23. Review status: criteria provided, single submitter. Criteria: Ambry Variant Classification Scheme 2023. Collection method: clinical testing. Allele origin: germline.

Labcorp Genetics (formerly Invitae), Labcorp
Classification: Uncertain significance for Fanconi anemia. Last evaluated: 2024-07-30. Review status: criteria provided, single submitter. Criteria: Invitae Variant Classification Sherloc (09022015). Collection method: clinical testing. Allele origin: germline.
Comment: This sequence change replaces proline, which is neutral and non-polar, with serine, which is neutral and polar, at codon 536 of the FANCB protein (p.Pro536Ser). This variant is present in population databases (rs773313492, gnomAD 0.02%), including at least one homozygous and/or hemizygous individual. This variant has not been reported in the literature in individuals affected with FANCB-related conditions. ClinVar contains an entry for this variant (Variation ID: 937196). Advanced modeling of protein sequence and biophysical properties (such as structural, functional, and spatial information, amino acid conservation, physicochemical variation, residue mobility, and thermodynamic stability) performed at Invitae indicates that this missense variant is not expected to disrupt FANCB protein function with a negative predictive value of 80%. In summary, the available evidence is currently insufficient to determine the role of this variant in disease. Therefore, it has been classified as a Variant of Uncertain Significance.

Fulgent Genetics
Classification: Uncertain significance for Fanconi anemia complementation group B; VACTERL association, X-linked, with or without hydrocephalus. Last evaluated: 2021-10-17. Review status: criteria provided, single submitter. Criteria: ACMG Guidelines, 2015. Collection method: clinical testing. Allele origin: unknown.

NM_001018113.3(FANCB):c.1606C>T (p.Pro536Ser)

Gene: FANCB (FA complementation group B; minus strand). Cytogenetic location: Xp22.2.
Variant type: single nucleotide variant.
Coding change: c.1606C>T on transcript NM_001018113.3 (MANE Select); coding-DNA position 1606, C replaced by T.
Protein change: p.Pro536Ser; replaces proline 536 with serine.
Molecular consequence: missense variant.
Genome position (GRCh38, 1-based): chrX:14,845,177, G>A on the plus strand (C>T on the coding strand, the complement: FANCB is on the minus strand). VCF-style: chrX-14845177-G-A. GRCh37 (hg19) VCF-style: chrX-14863299-G-A.
Other names: c.1606C>T, p.Pro536Ser (NM_001324162.2, NM_152633.4); short protein forms P536S.
Identifiers: ClinVar variation 937196 (VCV000937196.11), dbSNP rs773313492, ClinGen allele CA10353029.
Genomic context (GRCh38, chrX:14,845,177, plus strand): 5'-GGGTCAACGTGACCCTTTTTGCTTCCAATCCTATTTCACATGGCATCAAGTATGGTGCTG[G>A]GAAAGGATTTGTACTCAACTTAATCACCCTATTTTGACACTTTAGAAGCCGAAATCTGGA-3'
Protein context (NP_001018123.1, residues 526-546): RVIKLSTNPF[Pro536Ser]APYLMPCEIG